The following is an entry in ClinVar:

ClinVar aggregate classification (germline): Uncertain significance (1 of 4 stars; one submission).

Conditions:
Acrocallosal syndrome (ACLS). Also called: HALLUX DUPLICATION, POSTAXIAL POLYDACTYLY, AND ABSENCE OF CORPUS CALLOSUM; Schinzel syndrome 1; Absence of corpus callosum with unusual facial appearance, mental deficiency, duplication of the halluces and polydactyly. Identifiers: Orphanet 36, MedGen C0796147, MONDO:0008708, OMIM 200990.

Submission:

Labcorp Genetics (formerly Invitae), Labcorp
Classification: Uncertain significance for Acrocallosal syndrome. Last evaluated: 2022-02-02. Review status: criteria provided, single submitter. Criteria: Invitae Variant Classification Sherloc (09022015). Collection method: clinical testing. Allele origin: germline.
Comment: In summary, the available evidence is currently insufficient to determine the role of this variant in disease. Therefore, it has been classified as a Variant of Uncertain Significance. Algorithms developed to predict the effect of missense changes on protein structure and function are either unavailable or do not agree on the potential impact of this missense change (SIFT: "Deleterious"; PolyPhen-2: "Probably Damaging"; Align-GVGD: "Class C0"). This variant has not been reported in the literature in individuals affected with KIF7-related conditions. This variant is not present in population databases (gnomAD no frequency). This sequence change replaces threonine, which is neutral and polar, with proline, which is neutral and non-polar, at codon 96 of the KIF7 protein (p.Thr96Pro).

NM_198525.3(KIF7):c.286A>C (p.Thr96Pro)

Gene: KIF7 (kinesin family member 7; minus strand). Cytogenetic location: 15q26.1.
Variant type: single nucleotide variant.
Coding change: c.286A>C on transcript NM_198525.3 (MANE Select); coding-DNA position 286, A replaced by C.
Protein change: p.Thr96Pro; replaces threonine 96 with proline.
Molecular consequence: missense variant.
Genome position (GRCh38, 1-based): chr15:89,652,645, T>G on the plus strand (A>C on the coding strand, the complement: KIF7 is on the minus strand). VCF-style: chr15-89652645-T-G. GRCh37 (hg19) VCF-style: chr15-90195876-T-G.
Other names: short protein forms T96P.
Identifiers: ClinVar variation 2092072 (VCV002092072.4), dbSNP rs2505509556, ClinGen allele CA393779621.